The following is an entry in ClinVar:

NM_017491.5(WDR1):c.1198G>A (p.Gly400Arg)

Gene: WDR1 (WD repeat domain 1; minus strand). Cytogenetic location: 4p16.1.
Variant type: single nucleotide variant.
Coding change: c.1198G>A on transcript NM_017491.5 (MANE Select); coding-DNA position 1198, G replaced by A.
Protein change: p.Gly400Arg; replaces glycine 400 with arginine.
Molecular consequence: missense variant.
Genome position (GRCh38, 1-based): chr4:10,081,443, C>T on the plus strand (G>A on the coding strand, the complement: WDR1 is on the minus strand). VCF-style: chr4-10081443-C-T. GRCh37 (hg19) VCF-style: chr4-10083067-C-T.
Other names: c.778G>A, p.Gly260Arg (NM_005112.5); short protein forms G260R, G400R.
Identifiers: ClinVar variation 809620 (VCV000809620.45), dbSNP rs765718599, ClinGen allele CA2857682.

ClinVar aggregate classification (germline): Uncertain significance. Review status: criteria provided, multiple submitters, no conflicts (2 of 4 stars). 2 submissions from 2 submitters: Uncertain significance (2). Last evaluated 2021-10-04.

Allele frequency attached by ClinVar (database versions not stated): gnomAD exomes 0.00002 and 0.00003; ExAC 0.00003.
gnomAD v4.1: 47 of 1,613,756 alleles (0.0029%); highest among the groups gnomAD compares: Admixed American, 0.0033%; no homozygotes.

Submissions (3):

Labcorp Genetics (formerly Invitae), Labcorp
Classification: Uncertain significance. Last evaluated: 2021-10-04. Review status: criteria provided, single submitter. Criteria: Invitae Variant Classification Sherloc (09022015). Collection method: clinical testing. Allele origin: germline.
Comment: This sequence change replaces glycine with arginine at codon 400 of the WDR1 protein (p.Gly400Arg). The glycine residue is moderately conserved and there is a moderate physicochemical difference between glycine and arginine. This variant is present in population databases (rs765718599, ExAC 0.01%). This variant has not been reported in the literature in individuals affected with WDR1-related conditions. ClinVar contains an entry for this variant (Variation ID: 809620). Algorithms developed to predict the effect of missense changes on protein structure and function (SIFT, PolyPhen-2, Align-GVGD) all suggest that this variant is likely to be tolerated. Algorithms developed to predict the effect of sequence changes on RNA splicing suggest that this variant may create or strengthen a splice site. In summary, the available evidence is currently insufficient to determine the role of this variant in disease. Therefore, it has been classified as a Variant of Uncertain Significance.

CeGaT Center for Human Genetics Tuebingen
Classification: Uncertain significance. Last evaluated: 2019-02-01. Review status: criteria provided, single submitter. Criteria: CeGaT Center For Human Genetics Tuebingen Variant Classification Criteria Version 2. Collection method: clinical testing. Allele origin: germline. Affected: yes. Observed: 1 variant allele.

Dr. Peter K. Rogan Lab, Western University
No classification provided (evidence only). Condition: Squamous cell carcinoma of the head and neck. Review status: no classification provided. Collection method: in vitro. Allele origin: not applicable. Functional consequence: retained intron. Not counted in ClinVar's aggregate classification.